The following is an entry in ClinVar:

ClinVar aggregate classification (germline): Conflicting classifications of pathogenicity. Review status: criteria provided, conflicting classifications (1 of 4 stars). 3 submissions from 3 submitters: Uncertain significance (2); Likely benign (1). Last evaluated 2025-10-07.

Conditions:
Familial thoracic aortic aneurysm and aortic dissection (TAAD). Also called: Thoracic aortic aneurysms and dissections. Identifiers: Orphanet 91387, MedGen C4707243, MONDO:0019625.
Aortic aneurysm, familial thoracic 7 (AAT7). Also called: AORTIC DISSECTION, FAMILIAL, WITH OR WITHOUT AORTIC ANEURYSM. Identifiers: MedGen C3151077, MONDO:0013418, OMIM 613780.

Allele frequency attached by ClinVar (database versions not stated): gnomAD 0.00001 and 0.00003; TOPMed 0.00001; gnomAD exomes 0.00002; ExAC 0.00003; 1000 Genomes Project 0.00040; 1000 Genomes Project 30x 0.00047.

Submissions (3):

Ambry Genetics
Classification: Likely benign for Familial thoracic aortic aneurysm and aortic dissection. Last evaluated: 2025-10-07. Review status: criteria provided, single submitter. Criteria: Ambry Variant Classification Scheme 2023. Collection method: clinical testing. Allele origin: germline.

Labcorp Genetics (formerly Invitae), Labcorp
Classification: Uncertain significance for Aortic aneurysm, familial thoracic 7. Last evaluated: 2025-09-21. Review status: criteria provided, single submitter. Criteria: Invitae Variant Classification Sherloc (09022015). Collection method: clinical testing. Allele origin: germline.
Comment: This sequence change replaces valine, which is neutral and non-polar, with methionine, which is neutral and non-polar, at codon 509 of the MYLK protein (p.Val509Met). This variant is present in population databases (rs532203771, gnomAD 0.003%). This variant has not been reported in the literature in individuals affected with MYLK-related conditions. ClinVar contains an entry for this variant (Variation ID: 1329327). Invitae Evidence Modeling of protein sequence and biophysical properties (such as structural, functional, and spatial information, amino acid conservation, physicochemical variation, residue mobility, and thermodynamic stability) indicates that this missense variant is not expected to disrupt MYLK protein function with a negative predictive value of 80%. In summary, the available evidence is currently insufficient to determine the role of this variant in disease. Therefore, it has been classified as a Variant of Uncertain Significance.

CHEO Genetics Diagnostic Laboratory, Children's Hospital of Eastern Ontario
Classification: Uncertain significance for Familial thoracic aortic aneurysm and aortic dissection. Last evaluated: 2022-02-28. Review status: criteria provided, single submitter. Criteria: ACMG Guidelines, 2015. Collection method: clinical testing. Allele origin: germline.

NM_053025.4(MYLK):c.1525G>A (p.Val509Met)

Gene: MYLK (myosin light chain kinase; minus strand). Cytogenetic location: 3q21.1.
Variant type: single nucleotide variant.
Coding change: c.1525G>A on transcript NM_053025.4 (MANE Select); coding-DNA position 1525, G replaced by A.
Protein change: p.Val509Met; replaces valine 509 with methionine.
Molecular consequence: missense variant.
Genome position (GRCh38, 1-based): chr3:123,726,070, C>T on the plus strand (G>A on the coding strand, the complement: MYLK is on the minus strand). VCF-style: chr3-123726070-C-T. GRCh37 (hg19) VCF-style: chr3-123444917-C-T.
Other names: c.997G>A, p.Val333Met (NM_001321309.2); c.1318G>A, p.Val440Met (NM_053026.4, NM_053028.4); c.1525G>A, p.Val509Met (NM_053027.4); short protein forms V333M, V440M, V509M.
Identifiers: ClinVar variation 1329327 (VCV001329327.10), dbSNP rs532203771, ClinGen allele CA067201.